The following is an entry in ClinVar:

ClinVar aggregate classification (germline): Uncertain significance. Review status: criteria provided, multiple submitters, no conflicts (2 of 4 stars). 9 submissions from 7 submitters: Uncertain significance (9). Last evaluated 2025-09-08.

Conditions:
Cardiovascular phenotype. Identifiers: MedGen CN230736.
Cardiomyopathy, familial restrictive, 3. Identifiers: Orphanet 75249, MedGen C2676271, MONDO:0012900, OMIM 612422.
Dilated cardiomyopathy 1D. Identifiers: Orphanet 154, Orphanet 54260, MedGen C1832243, MONDO:0011095, OMIM 601494.
Hypertrophic cardiomyopathy 2. Also called: TNNT2-Related Familial Hypertrophic Cardiomyopathy. Identifiers: MedGen C1861864, MONDO:0007266, OMIM 115195.
Cardiomyopathy (CMYO). Also called: Cardiomyopathies. Identifiers: Orphanet 167848, MedGen C0878544, MONDO:0004994, HP:0001638. Inheritance: Various modes of inheritance.

Allele frequency attached by ClinVar (database versions not stated): gnomAD 0.00001 and 0.00003; TOPMed 0.00002; gnomAD exomes 0.00003; ExAC 0.00007; ESP Exome Variant Server 0.00008; 1000 Genomes Project 30x 0.00031.

Submissions (9):

Labcorp Genetics (formerly Invitae), Labcorp
Classification: Uncertain significance for Cardiomyopathy, familial restrictive, 3; Hypertrophic cardiomyopathy 2; Dilated cardiomyopathy 1D. Last evaluated: 2025-09-08. Review status: criteria provided, single submitter. Criteria: Invitae Variant Classification Sherloc (09022015). Collection method: clinical testing. Allele origin: germline.
Comment: This sequence change replaces glycine, which is neutral and non-polar, with arginine, which is basic and polar, at codon 285 of the TNNT2 protein (p.Gly285Arg). This variant is present in population databases (rs147940106, gnomAD 0.009%). This missense change has been observed in individual(s) with hypertrophic cardiomyopathy (PMID: 31513939). ClinVar contains an entry for this variant (Variation ID: 180555). Invitae Evidence Modeling of protein sequence and biophysical properties (such as structural, functional, and spatial information, amino acid conservation, physicochemical variation, residue mobility, and thermodynamic stability) indicates that this missense variant is expected to disrupt TNNT2 protein function with a positive predictive value of 95%. In summary, the available evidence is currently insufficient to determine the role of this variant in disease. Therefore, it has been classified as a Variant of Uncertain Significance.

All of Us Research Program, National Institutes of Health
Classification: Uncertain significance for Cardiomyopathy. Last evaluated: 2024-09-23. Review status: criteria provided, single submitter. Criteria: ACMG Guidelines, 2015. Collection method: clinical testing. Allele origin: germline. Inheritance: Autosomal dominant inheritance. Observed: 6 variant alleles, 6 heterozygotes.
Comment: This missense variant replaces glycine with arginine at codon 285 of the TNNT2 protein. Computational prediction suggests that this variant may not impact protein structure and function (internally defined REVEL score threshold <= 0.5, PMID: 27666373). To our knowledge, functional studies have not been reported for this variant. This variant has been reported in an individual affected with hypertrophic cardiomyopathy (PMID: 32492895). This variant has been identified in 9/274990 chromosomes in the general population by the Genome Aggregation Database (gnomAD). The available evidence is insufficient to determine the role of this variant in disease conclusively. Therefore, this variant is classified as a Variant of Uncertain Significance.

This study involves interpretation of variants in research participants for the purpose of population health screening. Participant phenotype was not available at the time of variant classification. Additional details can be found in publication PMID: 35346344, PMCID: PMC8962531

Color Diagnostics, LLC DBA Color Health
Classification: Uncertain significance for Cardiomyopathy. Last evaluated: 2024-05-16. Review status: criteria provided, single submitter. Criteria: ACMG Guidelines, 2015. Collection method: clinical testing. Allele origin: germline.
Comment: This missense variant replaces glycine with arginine at codon 285 of the TNNT2 protein. Computational prediction tools indicate that this variant has a neutral impact on protein structure and function. To our knowledge, functional studies have not been reported for this variant. This variant has been reported in one individual affected with hypertrophic cardiomyopathy (PMID: 32492895). This variant has been identified in 9/274990 chromosomes in the general population by the Genome Aggregation Database (gnomAD). The available evidence is insufficient to determine the role of this variant in disease conclusively. Therefore, this variant is classified as a Variant of Uncertain Significance.

Genome-Nilou Lab
Classification: Uncertain significance for Dilated cardiomyopathy 1D. Last evaluated: 2023-04-11. Review status: criteria provided, single submitter. Criteria: ACMG Guidelines, 2015. Collection method: clinical testing. Allele origin: germline. Affected: no.

Genome-Nilou Lab
Classification: Uncertain significance for Cardiomyopathy, familial restrictive, 3. Last evaluated: 2023-04-11. Review status: criteria provided, single submitter. Criteria: ACMG Guidelines, 2015. Collection method: clinical testing. Allele origin: germline. Affected: no.

Genome-Nilou Lab
Classification: Uncertain significance for Hypertrophic cardiomyopathy 2. Last evaluated: 2023-04-11. Review status: criteria provided, single submitter. Criteria: ACMG Guidelines, 2015. Collection method: clinical testing. Allele origin: germline. Affected: no.

GeneDx
Classification: Uncertain significance. Last evaluated: 2022-03-17. Review status: criteria provided, single submitter. Criteria: GeneDx Variant Classification Process June 2021. Collection method: clinical testing. Allele origin: germline. Affected: yes.
Comment: Identified in a patient with HCM in the published literature (Kim et al., 2020); In silico analysis supports that this missense variant has a deleterious effect on protein structure/function; This variant is associated with the following publications: (PMID: 32492895)

Blueprint Genetics
Classification: Uncertain significance. Last evaluated: 2022-02-17. Review status: criteria provided, single submitter. Criteria: ACMG Guidelines, 2015. Collection method: clinical testing. Allele origin: germline.

Ambry Genetics
Classification: Uncertain significance for Cardiovascular phenotype. Last evaluated: 2021-12-22. Review status: criteria provided, single submitter. Criteria: Ambry Variant Classification Scheme 2023. Collection method: clinical testing. Allele origin: germline.
Comment: The p.G285R variant (also known as c.853G>A), located in coding exon 15 of the TNNT2 gene, results from a G to A substitution at nucleotide position 853. The glycine at codon 285 is replaced by arginine, an amino acid with dissimilar properties. This alteration has been reported in a hypertrophic cardiomyopathy (HCM) cohort; however, clinical details were limited (Kim HY et al. J Clin Med, 2020 Jun;9:[ePub ahead of print]). This amino acid position is highly conserved in available vertebrate species. In addition, the in silico prediction for this alteration is inconclusive. Since supporting evidence is limited at this time, the clinical significance of this alteration remains unclear.

Literature cited by the submitters: PubMed 31513939 (cited by Labcorp Genetics (formerly Invitae), Labcorp); PubMed 32492895 (cited by 3 submitters).

NM_001276345.2(TNNT2):c.883G>A (p.Gly295Arg)

Gene: TNNT2 (troponin T2, cardiac type; minus strand). Cytogenetic location: 1q32.1.
Variant type: single nucleotide variant.
Coding change: c.883G>A on transcript NM_001276345.2 (MANE Select); coding-DNA position 883, G replaced by A.
Protein change: p.Gly295Arg; replaces glycine 295 with arginine.
Molecular consequence: missense variant.
Genome position (GRCh38, 1-based): chr1:201,359,224, C>T on the plus strand (G>A on the coding strand, the complement: TNNT2 is on the minus strand). VCF-style: chr1-201359224-C-T. GRCh37 (hg19) VCF-style: chr1-201328352-C-T.
Other names: c.874G>A, p.Gly292Arg (NM_000364.4); c.853G>A, p.Gly285Arg (NM_001001430.3, NM_001276347.2); c.844G>A, p.Gly282Arg (NM_001001431.3); c.835G>A, p.Gly279Arg (NM_001001432.3); c.754G>A, p.Gly252Arg (NM_001276346.2); short protein forms G285R, G292R, G252R, G279R, G295R, G282R.
Identifiers: ClinVar variation 180555 (VCV000180555.27), dbSNP rs147940106, ClinGen allele CA005289.